The following is an entry in ClinVar:

ClinVar aggregate classification (germline): Benign (1 of 4 stars; one submission).

Submission:

GeneDx
Classification: Benign. Last evaluated: 2018-06-18. Review status: criteria provided, single submitter. Criteria: GeneDx Variant Classification (06012015). Collection method: clinical testing. Allele origin: germline. Affected: yes.
Comment: This variant is considered likely benign or benign based on one or more of the following criteria: it is a conservative change, it occurs at a poorly conserved position in the protein, it is predicted to be benign by multiple in silico algorithms, and/or has population frequency not consistent with disease.

NM_012463.4(ATP6V0A2):c.295-276del

Gene: ATP6V0A2 (ATPase H+ transporting V0 subunit a2; plus strand). Cytogenetic location: 12q24.31.
Variant type: Deletion.
Coding change: c.295-276del on transcript NM_012463.4 (MANE Select); 276 bases into the intron before coding-DNA position 295, one base deleted (A; older notation c.295-276delA).
Molecular consequence: intron variant.
Genome position (GRCh38, 1-based): chr12:123,724,378, A deleted; the last of 9 consecutive A bases (chr12:123,724,370-123,724,378); deleting any one gives the same sequence. VCF-style (leftmost placement, unchanged base first): chr12-123724369-CA-C. GRCh37 (hg19) VCF-style: chr12-124208916-CA-C.
Identifiers: ClinVar variation 683166 (VCV000683166.1), dbSNP rs11326601, ClinGen allele CA245185837.
Genomic context (GRCh38, chr12:123,724,369, plus strand): 5'-AGGTCAAGAGTTCAAGACCAGCCTGGCCAACATGGTGAAACCTCGTCTCTACTAACAATA[CA>C]AAAAAAAATTAGCTGGGCGTGGTGATGCGCACCTGTAGTCCCAGCTACTCGGGGAGGCTG-3'